The following is an entry in ClinVar:

ClinVar aggregate classification (germline): Uncertain significance (1 of 4 stars; one submission).

Conditions:
Infantile-onset ascending hereditary spastic paralysis (IAHSP). Also called: Autosomal Recessive Juvenile Amyotrophic Lateral Sclerosis; Infantile-Onset Ascending Hereditary Spastic Paralysis (IAHSP). Identifiers: Orphanet 293168, MedGen C2931441, MONDO:0011797, OMIM 607225. Disease mechanism: loss of function.

Submission:

Labcorp Genetics (formerly Invitae), Labcorp
Classification: Uncertain significance for Infantile-onset ascending hereditary spastic paralysis. Last evaluated: 2025-01-27. Review status: criteria provided, single submitter. Criteria: Invitae Variant Classification Sherloc (09022015). Collection method: clinical testing. Allele origin: germline.
Comment: This sequence change replaces glycine, which is neutral and non-polar, with glutamic acid, which is acidic and polar, at codon 66 of the ALS2 protein (p.Gly66Glu). This variant is not present in population databases (gnomAD no frequency). This variant has not been reported in the literature in individuals affected with ALS2-related conditions. ClinVar contains an entry for this variant (Variation ID: 1952218). An algorithm developed to predict the effect of missense changes on protein structure and function (PolyPhen-2) suggests that this variant is likely to be disruptive. In summary, the available evidence is currently insufficient to determine the role of this variant in disease. Therefore, it has been classified as a Variant of Uncertain Significance.

NM_020919.4(ALS2):c.197G>A (p.Gly66Glu)

Gene: ALS2 (alsin Rho guanine nucleotide exchange factor ALS2; minus strand). Cytogenetic location: 2q33.1.
Variant type: single nucleotide variant.
Coding change: c.197G>A on transcript NM_020919.4 (MANE Select); coding-DNA position 197, G replaced by A.
Protein change: p.Gly66Glu; replaces glycine 66 with glutamic acid.
Molecular consequence: missense variant.
Genome position (GRCh38, 1-based): chr2:201,761,797, C>T on the plus strand (G>A on the coding strand, the complement: ALS2 is on the minus strand). VCF-style: chr2-201761797-C-T. GRCh37 (hg19) VCF-style: chr2-202626520-C-T.
Other names: c.197G>A, p.Gly66Glu (NM_001135745.2, NM_001410975.1); short protein forms G66E.
Identifiers: ClinVar variation 1952218 (VCV001952218.5), dbSNP rs2469919112, ClinGen allele CA350329374.